The following is an entry in ClinVar:

ClinVar aggregate classification (germline): Uncertain significance (1 of 4 stars; one submission).

Conditions:
Hereditary cancer-predisposing syndrome. Also called: Hereditary neoplastic syndrome; Neoplastic Syndromes, Hereditary; Tumor predisposition; Hereditary Cancer Syndrome. Identifiers: Orphanet 140162, MedGen C0027672, MeSH D009386, MONDO:0015356.

Submission:

Ambry Genetics
Classification: Uncertain significance for Hereditary cancer-predisposing syndrome. Last evaluated: 2025-09-01. Review status: criteria provided, single submitter. Criteria: Ambry Variant Classification Scheme 2023. Collection method: clinical testing. Allele origin: germline.
Comment: The p.D1174E variant (also known as c.3522T>G), located in coding exon 15 of the APC gene, results from a T to G substitution at nucleotide position 3522. The aspartic acid at codon 1174 is replaced by glutamic acid, an amino acid with highly similar properties. This amino acid position is conserved. In addition, in silico predictors for this gene do not accurately predict pathogenicity. Based on the available evidence, the clinical significance of this variant remains unclear.

NM_000038.6(APC):c.3522T>G (p.Asp1174Glu)

Gene: APC (APC regulator of Wnt signaling pathway; plus strand). Cytogenetic location: 5q22.2.
Variant type: single nucleotide variant.
Coding change: c.3522T>G on transcript NM_000038.6 (MANE Select); coding-DNA position 3522, T replaced by G.
Protein change: p.Asp1174Glu; replaces aspartic acid 1174 with glutamic acid.
Molecular consequence: missense variant. On other transcripts: non-coding transcript variant (2).
Genome position (GRCh38, 1-based): chr5:112,839,116, T>G. VCF-style: chr5-112839116-T-G. GRCh37 (hg19) VCF-style: chr5-112174813-T-G.
Other names: c.3522T>G, p.Asp1174Glu (NM_001127510.3, NM_001354895.2, NM_001407450.1); c.3468T>G, p.Asp1156Glu (NM_001127511.3); c.3576T>G, p.Asp1192Glu (NM_001354896.2, NM_001407447.1, NM_001407448.1 and 1 more transcripts); c.3552T>G, p.Asp1184Glu (NM_001354897.2); c.3447T>G, p.Asp1149Glu (NM_001354898.2); c.3438T>G, p.Asp1146Glu (NM_001354899.2); c.3399T>G, p.Asp1133Glu (NM_001354900.2); c.3345T>G, p.Asp1115Glu (NM_001354901.2, NM_001407453.1); and 11 more; short protein forms D1014E, D1091E, D1149E, D1156E, D1045E, D1115E, D1146E, D1164E.
Identifiers: ClinVar variation 4121740 (VCV004121740.1).